The following is an entry in ClinVar:

ClinVar aggregate classification (germline): Conflicting classifications of pathogenicity. Review status: criteria provided, conflicting classifications (1 of 4 stars). 2 submissions from 1 submitter: Uncertain significance (1); Benign (1). Last evaluated 2018-01-13.

Conditions:
Sacral defect with anterior meningocele. Identifiers: MedGen C1838568, OMIM 600145.
Neural tube defect (NTD). Also called: Neural tube defects. Identifiers: Orphanet 3388, Orphanet 823, MedGen C0027794, MONDO:0018075, HP:0045005.

Allele frequency attached by ClinVar (database versions not stated): 1000 Genomes Project 30x 0.00172; 1000 Genomes Project 0.00180; gnomAD 0.00190 and 0.00210; TOPMed 0.00223.
gnomAD v4.1: 284 of 152,798 alleles (0.19%); highest among the groups gnomAD compares: African/African-American, 0.67%; 2 homozygotes.

Submissions (2):

Illumina Laboratory Services, Illumina
Classification: Uncertain significance for Neural tube defects, susceptibility to. Last evaluated: 2018-01-13. Review status: criteria provided, single submitter. Criteria: ICSL Variant Classification Criteria 13 December 2019. Collection method: clinical testing. Allele origin: germline.

Illumina Laboratory Services, Illumina
Classification: Benign for Sacral defect with anterior meningocele. Last evaluated: 2018-01-13. Review status: criteria provided, single submitter. Criteria: ICSL Variant Classification Criteria 13 December 2019. Collection method: clinical testing. Allele origin: germline.
Comment: This variant was observed in the ICSL laboratory as part of a predisposition screen in an ostensibly healthy population. It had not been previously curated by ICSL or reported in the Human Gene Mutation Database (HGMD: prior to June 1st, 2018), and was therefore a candidate for classification through an automated scoring system. Utilizing variant allele frequency, disease prevalence and penetrance estimates, and inheritance mode, an automated score was calculated to assess if this variant is too frequent to cause the disease. Based on the score and internal cut-off values, a variant classified as benign is not then subjected to further curation. The score for this variant resulted in a classification of benign for this disease.

NM_138959.3(VANGL1):c.*1043A>G

Gene: VANGL1 (VANGL planar cell polarity protein 1; plus strand). Cytogenetic location: 1p13.1.
Variant type: single nucleotide variant.
Coding change: c.*1043A>G on transcript NM_138959.3 (MANE Select); 1043 bases downstream of the stop codon, A replaced by G.
Molecular consequence: 3 prime UTR variant.
Genome position (GRCh38, 1-based): chr1:115,692,422, A>G. VCF-style: chr1-115692422-A-G. GRCh37 (hg19) VCF-style: chr1-116235043-A-G.
Other names: c.*1043A>G (NM_001172411.2, NM_001172412.2).
Identifiers: ClinVar variation 292033 (VCV000292033.5), dbSNP rs150705915, ClinGen allele CA10607551.